The following is an entry in ClinVar:

NM_138576.4(BCL11B):c.1907_1908delinsGG (p.Asp636Gly)

Gene: BCL11B (BCL11 transcription factor B; minus strand). Cytogenetic location: 14q32.2.
Variant type: Indel.
Coding change: c.1907_1908delinsGG on transcript NM_138576.4 (MANE Select); coding-DNA positions 1907 to 1908, AC replaced by GG.
Protein change: p.Asp636Gly; replaces aspartic acid 636 with glycine.
Molecular consequence: missense variant.
Genome position (GRCh38, 1-based): chr14:99,174,928-99,174,929, GT replaced by CC on the plus strand (AC replaced by GG on the coding strand, the reverse complement: BCL11B is on the minus strand). VCF-style: chr14-99174928-GT-CC. GRCh37 (hg19) VCF-style: chr14-99641265-GT-CC.
Other names: c.1904_1905delinsGG, p.Asp635Gly (NM_001282237.2); c.1691_1692delinsGG, p.Asp564Gly (NM_001282238.2); c.1694_1695delinsGG, p.Asp565Gly (NM_022898.3); short protein forms D636G, D564G, D565G, D635G.
Identifiers: ClinVar variation 2169965 (VCV002169965.4), dbSNP rs2503641093, ClinGen allele CA2580089066.

ClinVar aggregate classification (germline): Uncertain significance (1 of 4 stars; one submission).

Submission:

Labcorp Genetics (formerly Invitae), Labcorp
Classification: Uncertain significance. Last evaluated: 2025-08-30. Review status: criteria provided, single submitter. Criteria: Invitae Variant Classification Sherloc (09022015). Collection method: clinical testing. Allele origin: germline.
Comment: This sequence change replaces aspartic acid, which is acidic and polar, with glycine, which is neutral and non-polar, at codon 636 of the BCL11B protein (p.Asp636Gly). Information on the frequency of this variant in the gnomAD database is not available, as this variant may be reported differently in the database. This variant has not been reported in the literature in individuals affected with BCL11B-related conditions. ClinVar contains an entry for this variant (Variation ID: 2169965). An algorithm developed to predict the effect of missense changes on protein structure and function (PolyPhen-2) suggests that this variant is likely to be tolerated. In summary, the available evidence is currently insufficient to determine the role of this variant in disease. Therefore, it has been classified as a Variant of Uncertain Significance.